The following is an entry in ClinVar:

NM_004519.4(KCNQ3):c.1857G>A (p.Met619Ile)

Gene: KCNQ3 (potassium voltage-gated channel subfamily Q member 3; minus strand). Cytogenetic location: 8q24.22.
Variant type: single nucleotide variant.
Coding change: c.1857G>A on transcript NM_004519.4 (MANE Select); coding-DNA position 1857, G replaced by A.
Protein change: p.Met619Ile; replaces methionine 619 with isoleucine.
Molecular consequence: missense variant.
Genome position (GRCh38, 1-based): chr8:132,132,207, C>T on the plus strand (G>A on the coding strand, the complement: KCNQ3 is on the minus strand). VCF-style: chr8-132132207-C-T. GRCh37 (hg19) VCF-style: chr8-133144454-C-T.
Other names: c.1497G>A, p.Met499Ile (NM_001204824.2); short protein forms M499I, M619I.
Identifiers: ClinVar variation 4083155 (VCV004083155.1).

ClinVar aggregate classification (germline): Uncertain significance (1 of 4 stars; one submission).

Submission:

GeneDx
Classification: Uncertain significance. Last evaluated: 2025-03-13. Review status: criteria provided, single submitter. Criteria: GeneDx Variant Classification Process June 2021. Collection method: clinical testing. Allele origin: germline. Affected: yes.
Comment: Not observed at significant frequency in large population cohorts (gnomAD); In silico analysis indicates that this missense variant does not alter protein structure/function; Has not been previously published as pathogenic or benign to our knowledge